The following is an entry in ClinVar:

NM_201384.3(PLEC):c.2744G>T (p.Arg915Leu)

Gene: PLEC (plectin; minus strand). Cytogenetic location: 8q24.3.
Variant type: single nucleotide variant.
Coding change: c.2744G>T on transcript NM_201384.3 (MANE Select); coding-DNA position 2744, G replaced by T.
Protein change: p.Arg915Leu; replaces arginine 915 with leucine.
Molecular consequence: missense variant.
Genome position (GRCh38, 1-based): chr8:143,929,825, C>A on the plus strand (G>T on the coding strand, the complement: PLEC is on the minus strand). VCF-style: chr8-143929825-C-A. GRCh37 (hg19) VCF-style: chr8-145003993-C-A.
Other names: c.2825G>T, p.Arg942Leu (NM_000445.5); c.2702G>T, p.Arg901Leu (NM_201378.4); c.2678G>T, p.Arg893Leu (NM_201379.3); c.3155G>T, p.Arg1052Leu (NM_201380.4); c.2648G>T, p.Arg883Leu (NM_201381.3); c.2744G>T, p.Arg915Leu (NM_201382.4); c.2756G>T, p.Arg919Leu (NM_201383.3); short protein forms R893L, R901L, R1052L, R919L, R883L, R915L, R942L.
Identifiers: ClinVar variation 943313 (VCV000943313.7), dbSNP rs781951273, ClinGen allele CA372572703.

ClinVar aggregate classification (germline): Uncertain significance (1 of 4 stars; one submission).

Conditions:
Epidermolysis bullosa simplex 5B, with muscular dystrophy (EBS5B). Also called: EPIDERMOLYSIS BULLOSA SIMPLEX AND LIMB-GIRDLE MUSCULAR DYSTROPHY; Epidermolysis bullosa simplex with muscular dystrophy. Identifiers: Orphanet 257, MedGen C2931072, MONDO:0009181, OMIM 226670.
Epidermolysis bullosa simplex with nail dystrophy (EBS5D). Identifiers: MedGen C4225309, MONDO:0014661, OMIM 616487.
Epidermolysis bullosa simplex, Ogna type (EBS5A). Also called: EPIDERMOLYSIS BULLOSA SIMPLEX 5A, OGNA TYPE; Pidermolysis bullosa simplex 5A, Ogna type. Identifiers: Orphanet 79401, MedGen C0432317, MONDO:0007555, OMIM 131950.
Autosomal recessive limb-girdle muscular dystrophy type 2Q (LGMDR17). Also called: MUSCULAR DYSTROPHY, LIMB-GIRDLE, AUTOSOMAL RECESSIVE 17. Identifiers: Orphanet 254361, MedGen C3150989, MONDO:0013390, OMIM 613723.
Epidermolysis bullosa simplex 5C, with pyloric atresia (EBS5C). Also called: Epidermolysis bullosa simplex with pyloric atresia; PLEC-Related Epidermolysis Bullosa with Pyloric Atresia; PLEC1-Related Epidermolysis Bullosa with Pyloric Atresia. Identifiers: Orphanet 158684, MedGen C2677349, MONDO:0012807, OMIM 612138.

gnomAD v4.1: 8 of 1,599,240 alleles (0.0005%); highest among the groups gnomAD compares: South Asian, 0.0055%; no homozygotes.

Submission:

Labcorp Genetics (formerly Invitae), Labcorp
Classification: Uncertain significance for Autosomal recessive limb-girdle muscular dystrophy type 2Q; Epidermolysis bullosa simplex, Ogna type; Epidermolysis bullosa simplex with nail dystrophy; Epidermolysis bullosa simplex 5C, with pyloric atresia; Epidermolysis bullosa simplex 5B, with muscular dystrophy. Last evaluated: 2019-06-28. Review status: criteria provided, single submitter. Criteria: Invitae Variant Classification Sherloc (09022015). Collection method: clinical testing. Allele origin: germline.
Comment: In summary, the available evidence is currently insufficient to determine the role of this variant in disease. Therefore, it has been classified as a Variant of Uncertain Significance. Algorithms developed to predict the effect of missense changes on protein structure and function are either unavailable or do not agree on the potential impact of this missense change (SIFT: "Deleterious"; PolyPhen-2: "Not Available"; Align-GVGD: "Class C35"). This variant has not been reported in the literature in individuals with PLEC-related conditions. This variant is not present in population databases (ExAC no frequency). This sequence change replaces arginine with leucine at codon 942 of the PLEC protein (p.Arg942Leu). The arginine residue is moderately conserved and there is a moderate physicochemical difference between arginine and leucine.